The following is an entry in ClinVar:

NM_003476.5(CSRP3):c.298C>T (p.Arg100Cys)

Gene: CSRP3 (cysteine and glycine rich protein 3; minus strand). Cytogenetic location: 11p15.1.
Variant type: single nucleotide variant.
Coding change: c.298C>T on transcript NM_003476.5 (MANE Select); coding-DNA position 298, C replaced by T.
Protein change: p.Arg100Cys; replaces arginine 100 with cysteine.
Molecular consequence: missense variant. On other transcripts: synonymous variant (1).
Genome position (GRCh38, 1-based): chr11:19,186,332, G>A on the plus strand (C>T on the coding strand, the complement: CSRP3 is on the minus strand). VCF-style: chr11-19186332-G-A. GRCh37 (hg19) VCF-style: chr11-19207879-G-A.
Other names: c.129C>T, p.His43= (NM_001369404.1); short protein forms R100C.
Identifiers: ClinVar variation 851709 (VCV000851709.15), dbSNP rs201214593, ClinGen allele CA5916576.

ClinVar aggregate classification (germline): Conflicting classifications of pathogenicity. Review status: criteria provided, conflicting classifications (1 of 4 stars). 8 submissions from 8 submitters: Uncertain significance (7); Likely benign (1). Last evaluated 2026-06-01.

Conditions:
Cardiomyopathy (CMYO). Also called: Cardiomyopathies. Identifiers: Orphanet 167848, MedGen C0878544, MONDO:0004994, HP:0001638. Inheritance: Various modes of inheritance.
CSRP3-related disorder. Also called: CSRP3-related condition; CSRP3-related disorders.
Cardiovascular phenotype. Identifiers: MedGen CN230736.
Hypertrophic cardiomyopathy 12. Identifiers: MedGen C2677491, MONDO:0012804, OMIM 612124.
Dilated cardiomyopathy 1M (CMD1M). Identifiers: Orphanet 154, MedGen C1843808, MONDO:0011840, OMIM 607482.

Allele frequency attached by ClinVar (database versions not stated): gnomAD 0.00003 and 0.00004; TOPMed 0.00005; ExAC 0.00007; gnomAD exomes 0.00007.
gnomAD v4.1: 78 of 1,614,086 alleles (0.0048%); highest among the groups gnomAD compares: Admixed American, 0.0083%; no homozygotes.

Submissions (8):

CeGaT Center for Human Genetics Tuebingen
Classification: Uncertain significance. Last evaluated: 2026-06-01. Review status: criteria provided, single submitter. Criteria: CeGaT Center For Human Genetics Tuebingen Variant Classification Criteria Version 2. Collection method: clinical testing. Allele origin: germline. Affected: yes. Observed: 1 variant allele.

Women's Health and Genetics/Laboratory Corporation of America, LabCorp
Classification: Likely benign. Last evaluated: 2026-05-19. Review status: criteria provided, single submitter. Criteria: LabCorp Variant Classification Summary - May 2015. Collection method: clinical testing. Allele origin: germline.
Comment: Variant summary: CSRP3 c.298C>T (p.Arg100Cys) results in a non-conservative amino acid change in the encoded protein sequence. Algorithms developed to predict the effect of missense changes on protein structure and function are either unavailable or do not agree on the potential impact of this missense change. The variant allele was found at a frequency of 6.8e-05 in 251368 control chromosomes (gnomAD). The observed variant frequency exceeds the estimated maximal expected allele frequency for disease-causing variants in CSRP3. c.298C>T has been observed in an individual(s) affected with Hypertrophic Cardiomyopathy who also had a pathogenic MYBPC3 variant (Cava_2023). This report does not provide unequivocal conclusions about association of the variant with disease. To our knowledge, no experimental evidence demonstrating an impact on protein function has been reported. The following publication has been ascertained in the context of this evaluation (PMID: 37089884). ClinVar contains an entry for this variant (Variation ID: 851709). Based on the evidence outlined above, the variant was classified as likely benign.

PreventionGenetics, part of Exact Sciences
Classification: Uncertain significance for CSRP3-related condition. Last evaluated: 2025-09-03. Review status: criteria provided, single submitter. Criteria: ACMG Guidelines, 2015. Collection method: clinical testing. Allele origin: germline.
Comment: The CSRP3 c.298C>T variant is predicted to result in the amino acid substitution p.Arg100Cys. This variant has been reported in an individual with hypertrophic cardiomyopathy who also carried a pathogenic MYBPC3 variant (Patient 15 in Supplementary Table S2, Cava et al. 2023, PubMed ID: 37089884). It has also been reported in a case of sudden unexplained death (Nguyen Tat et al. 2024, PubMed ID: 39272661). This variant is present in 0.011% of alleles in individuals of Latino descent in gnomAD. At this time, the clinical significance of this variant is uncertain due to the absence of conclusive functional and genetic evidence.

Labcorp Genetics (formerly Invitae), Labcorp
Classification: Uncertain significance for Hypertrophic cardiomyopathy 12; Dilated cardiomyopathy 1M. Last evaluated: 2024-12-17. Review status: criteria provided, single submitter. Criteria: Invitae Variant Classification Sherloc (09022015). Collection method: clinical testing. Allele origin: germline.
Comment: This sequence change replaces arginine, which is basic and polar, with cysteine, which is neutral and slightly polar, at codon 100 of the CSRP3 protein (p.Arg100Cys). This variant is present in population databases (rs201214593, gnomAD 0.01%). This missense change has been observed in individual(s) with hypertrophic cardiomyopathy (PMID: 37089884). ClinVar contains an entry for this variant (Variation ID: 851709). An algorithm developed to predict the effect of missense changes on protein structure and function (PolyPhen-2) suggests that this variant¬¨‚Ä†is likely to be tolerated. In summary, the available evidence is currently insufficient to determine the role of this variant in disease. Therefore, it has been classified as a Variant of Uncertain Significance.

Ambry Genetics
Classification: Uncertain significance for Cardiovascular phenotype. Last evaluated: 2024-09-19. Review status: criteria provided, single submitter. Criteria: Ambry Variant Classification Scheme 2023. Collection method: clinical testing. Allele origin: germline.
Comment: The p.R100C variant (also known as c.298C>T), located in coding exon 3 of the CSRP3 gene, results from a C to T substitution at nucleotide position 298. The arginine at codon 100 is replaced by cysteine, an amino acid with highly dissimilar properties. This variant co-occurred with an MYBPC3 variant in an individual with cardiac hypertrophy and QTc prolongation (Cava F et al. Front Cardiovasc Med. 2023 Apr;10:1112759). This amino acid position is highly conserved in available vertebrate species. In addition, the in silico prediction for this alteration is inconclusive. Based on the available evidence, the clinical significance of this variant remains unclear.

GeneDx
Classification: Uncertain significance. Last evaluated: 2023-01-11. Review status: criteria provided, single submitter. Criteria: GeneDx Variant Classification Process June 2021. Collection method: clinical testing. Allele origin: germline. Affected: yes.
Comment: In silico analysis supports that this missense variant does not alter protein structure/function; Has not been previously published as pathogenic or benign to our knowledge

Fulgent Genetics
Classification: Uncertain significance for Dilated cardiomyopathy 1M; Hypertrophic cardiomyopathy 12. Last evaluated: 2021-08-23. Review status: criteria provided, single submitter. Criteria: ACMG Guidelines, 2015. Collection method: clinical testing. Allele origin: unknown.

CHEO Genetics Diagnostic Laboratory, Children's Hospital of Eastern Ontario
Classification: Uncertain significance for Cardiomyopathy. Last evaluated: 2019-09-12. Review status: criteria provided, single submitter. Criteria: ACMG Guidelines, 2015. Collection method: clinical testing. Allele origin: germline.

Literature cited by the submitters: PubMed 37089884 (cited by 3 submitters).